The following is an entry in ClinVar:

NM_004817.4(TJP2):c.966G>T (p.Arg322=)

Gene: TJP2 (tight junction protein 2; plus strand). Cytogenetic location: 9q21.11.
Variant type: single nucleotide variant.
Coding change: c.966G>T on transcript NM_004817.4 (MANE Select); coding-DNA position 966, G replaced by T.
Protein change: p.Arg322=; no amino-acid change (arginine 322 retained).
Molecular consequence: synonymous variant.
Genome position (GRCh38, 1-based): chr9:69,225,317, G>T. VCF-style: chr9-69225317-G-T. GRCh37 (hg19) VCF-style: chr9-71840233-G-T.
Other names: c.966G>T, p.Arg322= (LRG_1201t1, NM_001369872.1, NM_001369873.1 and 1 more transcripts); c.966G>T (NM_004817.3); c.897G>T, p.Arg299= (NM_001170414.2, NM_001369870.1, NM_001369871.1); c.978G>T, p.Arg326= (NM_001170415.1, NM_001369874.1, NM_001369875.1); c.1059G>T, p.Arg353= (NM_001170416.2).
Identifiers: ClinVar variation 597142 (VCV000597142.12), dbSNP rs199857597, ClinGen allele CA5073155.

ClinVar aggregate classification (germline): Conflicting classifications of pathogenicity. Review status: criteria provided, conflicting classifications (1 of 4 stars). 3 submissions from 3 submitters: Uncertain significance (1); Likely benign (2). Last evaluated 2025-10-20.

Conditions:
TJP2-related disorder. Also called: TJP2-related condition.

Allele frequency attached by ClinVar (database versions not stated): gnomAD 0.00001; gnomAD exomes 0.00001 and 0.00003; TOPMed 0.00001; ExAC 0.00004.

Submissions (3):

PreventionGenetics, part of Exact Sciences
Classification: Likely benign for TJP2-related condition. Last evaluated: 2025-10-20. Review status: criteria provided, single submitter. Criteria: ACMG Guidelines, 2015. Collection method: clinical testing. Allele origin: germline.
Comment: This variant is classified as likely benign based on ACMG/AMP sequence variant interpretation guidelines (Richards et al. 2015 PMID: 25741868, with internal and published modifications).

Labcorp Genetics (formerly Invitae), Labcorp
Classification: Likely benign. Last evaluated: 2022-01-12. Review status: criteria provided, single submitter. Criteria: Invitae Variant Classification Sherloc (09022015). Collection method: clinical testing. Allele origin: germline.

Eurofins Ntd Llc (ga)
Classification: Uncertain significance. Last evaluated: 2018-05-08. Review status: criteria provided, single submitter. Criteria: EGL ClinVar v180209 classification definitions. Collection method: clinical testing. Allele origin: germline. Observed: 1 variant allele, 1 heterozygote.